The following is an entry in ClinVar:

ClinVar aggregate classification (germline): Conflicting classifications of pathogenicity. Review status: criteria provided, conflicting classifications (1 of 4 stars). 7 submissions from 7 submitters: Uncertain significance (3); Benign (1); Likely benign (3). Last evaluated 2026-06-16.

Conditions:
DMD-related disorder. Also called: DMD-related condition.
Cardiovascular phenotype. Identifiers: MedGen CN230736.
Duchenne muscular dystrophy (DMD). Also called: Duchenne Muscular Dystrophy (DMD); MUSCULAR DYSTROPHY, PSEUDOHYPERTROPHIC PROGRESSIVE, DUCHENNE TYPE. Identifiers: Orphanet 98896, MedGen C0013264, MONDO:0010679, OMIM 310200.

Allele frequency attached by ClinVar (database versions not stated): ExAC 0.00002; gnomAD exomes 0.00002 and 0.00003; ESP Exome Variant Server 0.00009; 1000 Genomes Project 0.00026; gnomAD 0.00034 and 0.00035; 1000 Genomes Project 30x 0.00042; TOPMed 0.00065.
gnomAD v4.1: 62 of 1,201,029 alleles (0.0052%); highest among the groups gnomAD compares: Admixed American, 0.12%; no homozygotes.

Submissions (7):

Women's Health and Genetics/Laboratory Corporation of America, LabCorp
Classification: Uncertain significance. Last evaluated: 2026-06-16. Review status: criteria provided, single submitter. Criteria: LabCorp Variant Classification Summary - May 2015. Collection method: clinical testing. Allele origin: germline.

Labcorp Genetics (formerly Invitae), Labcorp
Classification: Likely benign for Duchenne muscular dystrophy. Last evaluated: 2026-01-20. Review status: criteria provided, single submitter. Criteria: Invitae Variant Classification Sherloc (09022015). Collection method: clinical testing. Allele origin: germline.

PreventionGenetics, part of Exact Sciences
Classification: Likely benign for DMD-related condition. Last evaluated: 2025-10-30. Review status: criteria provided, single submitter. Criteria: ACMG Guidelines, 2015. Collection method: clinical testing. Allele origin: germline.
Comment: This variant is classified as likely benign based on ACMG/AMP sequence variant interpretation guidelines (Richards et al. 2015 PMID: 25741868, with internal and published modifications).

Revvity Omics, Revvity
Classification: Uncertain significance. Last evaluated: 2020-10-08. Review status: criteria provided, single submitter. Criteria: ACMG Guidelines, 2015. Collection method: clinical testing. Allele origin: germline.

GeneDx
Classification: Benign. Last evaluated: 2020-07-20. Review status: criteria provided, single submitter. Criteria: GeneDx Variant Classification Process June 2021. Collection method: clinical testing. Allele origin: germline. Affected: yes.

Ambry Genetics
Classification: Likely benign for Cardiovascular phenotype. Last evaluated: 2020-03-13. Review status: criteria provided, single submitter. Criteria: Ambry Variant Classification Scheme 2023. Collection method: clinical testing. Allele origin: germline.

Eurofins Ntd Llc (ga)
Classification: Uncertain significance. Last evaluated: 2017-11-15. Review status: criteria provided, single submitter. Criteria: EGL Classification Definitions 2015. Collection method: clinical testing. Allele origin: germline. Observed: 2 variant alleles, 1 heterozygote, 1 hemizygote.

NM_004006.3(DMD):c.7321A>C (p.Thr2441Pro)

Gene: DMD (dystrophin; minus strand). Cytogenetic location: Xp21.1.
Variant type: single nucleotide variant.
Coding change: c.7321A>C on transcript NM_004006.3 (MANE Select); coding-DNA position 7321, A replaced by C.
Protein change: p.Thr2441Pro; replaces threonine 2441 with proline.
Molecular consequence: missense variant. On other transcripts: 5 prime UTR variant (5).
Genome position (GRCh38, 1-based): chrX:31,774,181, T>G on the plus strand (A>C on the coding strand, the complement: DMD is on the minus strand). VCF-style: chrX-31774181-T-G. GRCh37 (hg19) VCF-style: chrX-31792298-T-G.
Other names: c.7297A>C, p.Thr2433Pro (NM_000109.4); c.7309A>C, p.Thr2437Pro (NM_004009.3); c.6952A>C, p.Thr2318Pro (NM_004010.3); c.3298A>C, p.Thr1100Pro (NM_004011.4); c.3289A>C, p.Thr1097Pro (NM_004012.4); c.-60A>C (NM_004013.3, NM_004020.4, NM_004021.3 and 2 more transcripts); short protein forms T2441P, T1100P, T2318P, T2437P, T1097P, T2433P.
Identifiers: ClinVar variation 239611 (VCV000239611.25), dbSNP rs146817002, ClinGen allele CA10378289.
Genomic context (GRCh38, chrX:31,774,181, plus strand): 5'-TTTCTAGTTTGGAGATGGCAGTTTCCTTAGTAACCACAGGTTGTGTCACCAGAGTAACAG[T>G]CTGAGTAGGAGCTAAAATATTTTGGGTTTTTGCAAAAAGGAAAAAAGAAGAAAAAGAAAA-3'
Protein context (NP_003997.2, residues 2431-2451): LTTIGASPTQ[Thr2441Pro]VTLVTQPVVT